The following is an entry in ClinVar:

ClinVar aggregate classification (germline): Uncertain significance. Review status: criteria provided, multiple submitters, no conflicts (2 of 4 stars). 3 submissions from 3 submitters: Uncertain significance (3). Last evaluated 2024-03-26.

Conditions:
Spinocerebellar ataxia type 28 (SCA28). Also called: Spinocerebellar Ataxia Type 28 (SCA28). Identifiers: Orphanet 101109, MedGen C1853249, MONDO:0012450, OMIM 610246.

Submissions (3):

Athena Diagnostics
Classification: Uncertain significance. Last evaluated: 2024-03-26. Review status: criteria provided, single submitter. Criteria: Athena Diagnostics Criteria. Collection method: clinical testing. Allele origin: unknown.
Comment: Available data are insufficient to determine the clinical significance of the variant at this time. This variant has not been reported in large, multi-ethnic general populations. Computational tools disagree on the variant's effect on normal protein function. The variant is located in a region that is considered important for protein function and/or structure.

Blueprint Genetics
Classification: Uncertain significance. Last evaluated: 2022-08-23. Review status: criteria provided, single submitter. Criteria: ACMG Guidelines, 2015. Collection method: clinical testing. Allele origin: germline.

CENTOGENE GmbH and LLC - Guiding Precision Medicine
Classification: Uncertain significance for Spinocerebellar ataxia type 28. Last evaluated: 2020-04-07. Review status: criteria provided, single submitter. Criteria: ACMG Guidelines, 2015. Collection method: clinical testing. Allele origin: germline. Affected: yes.

NM_006796.3(AFG3L2):c.1284G>T (p.Glu428Asp)

Gene: AFG3L2 (AFG3 like matrix AAA peptidase subunit 2; minus strand). Cytogenetic location: 18p11.21.
Variant type: single nucleotide variant.
Coding change: c.1284G>T on transcript NM_006796.3 (MANE Select); coding-DNA position 1284, G replaced by T.
Protein change: p.Glu428Asp; replaces glutamic acid 428 with aspartic acid.
Molecular consequence: missense variant.
Genome position (GRCh38, 1-based): chr18:12,353,039, C>A on the plus strand (G>T on the coding strand, the complement: AFG3L2 is on the minus strand). VCF-style: chr18-12353039-C-A. GRCh37 (hg19) VCF-style: chr18-12353038-C-A.
Other names: c.1284G>T (NM_006796.2); short protein forms E428D.
Identifiers: ClinVar variation 1333956 (VCV001333956.3), dbSNP rs1168932758, ClinGen allele CA401952781.